The following is an entry in ClinVar:

NM_001244008.2(KIF1A):c.3097T>C (p.Ser1033Pro)

Gene: KIF1A (kinesin family member 1A; minus strand). Cytogenetic location: 2q37.3.
Variant type: single nucleotide variant.
Coding change: c.3097T>C on transcript NM_001244008.2 (MANE Select); coding-DNA position 3097, T replaced by C.
Protein change: p.Ser1033Pro; replaces serine 1033 with proline.
Molecular consequence: missense variant.
Genome position (GRCh38, 1-based): chr2:240,746,144, A>G on the plus strand (T>C on the coding strand, the complement: KIF1A is on the minus strand). VCF-style: chr2-240746144-A-G. GRCh37 (hg19) VCF-style: chr2-241685561-A-G.
Other names: c.2821T>C, p.Ser941Pro (NM_001320705.2, NM_001330289.2, NM_001379638.1); c.2896T>C, p.Ser966Pro (NM_001330290.2, NM_001379634.1, NM_001379635.1 and 1 more transcripts); c.3172T>C, p.Ser1058Pro (NM_001379631.1); c.3046T>C, p.Ser1016Pro (NM_001379632.1); c.3070T>C, p.Ser1024Pro (NM_001379633.1, NM_001379642.1, NM_001379645.1); c.2794T>C, p.Ser932Pro (NM_001379636.1, NM_001379639.1, NM_001379640.1 and 7 more transcripts); c.2869T>C, p.Ser957Pro (NM_001379637.1, NM_001379648.1); short protein forms S1016P, S966P, S941P, S957P, S1033P, S1058P, S1024P, S932P.
Identifiers: ClinVar variation 2952839 (VCV002952839.3), dbSNP rs2537299334, ClinGen allele CA351318970.

ClinVar aggregate classification (germline): Uncertain significance (1 of 4 stars; one submission).

Conditions:
Neuropathy, hereditary sensory, type 2C. Also called: KIF1A-Related HSAN2 (HSAN2C); Hereditary sensory and autonomic neuropathy type IIC. Identifiers: Orphanet 970, MedGen C3280168, MONDO:0013634, OMIM 614213.
Hereditary spastic paraplegia 30. Identifiers: Orphanet 101010, MedGen C5235139, MONDO:0012476.
Intellectual disability, autosomal dominant 9 (NESCAVS). Also called: NESCAV SYNDROME; KIF1A-Related Neurodevelopmental Disorder. Identifiers: Orphanet 662367, MedGen C5393830, MONDO:0013656, OMIM 614255.

Allele frequency attached by ClinVar (database versions not stated): gnomAD exomes below 0.00001.
gnomAD v4.1: 1 of 1,568,598 alleles (0.000064%); highest among the groups gnomAD compares: Non-Finnish European, 0.000086%; no homozygotes.

Submission:

Labcorp Genetics (formerly Invitae), Labcorp
Classification: Uncertain significance for Hereditary spastic paraplegia 30; Neuropathy, hereditary sensory, type 2C; Intellectual disability, autosomal dominant 9. Last evaluated: 2023-11-16. Review status: criteria provided, single submitter. Criteria: Invitae Variant Classification Sherloc (09022015). Collection method: clinical testing. Allele origin: germline.
Comment: This sequence change replaces serine, which is neutral and polar, with proline, which is neutral and non-polar, at codon 932 of the KIF1A protein (p.Ser932Pro). This variant is not present in population databases (gnomAD no frequency). This variant has not been reported in the literature in individuals affected with KIF1A-related conditions. Advanced modeling of protein sequence and biophysical properties (such as structural, functional, and spatial information, amino acid conservation, physicochemical variation, residue mobility, and thermodynamic stability) has been performed at Invitae for this missense variant, however the output from this modeling did not meet the statistical confidence thresholds required to predict the impact of this variant on KIF1A protein function. In summary, the available evidence is currently insufficient to determine the role of this variant in disease. Therefore, it has been classified as a Variant of Uncertain Significance.